The following is an entry in ClinVar:

NM_018006.5(TRMU):c.1029G>A (p.Val343=)

Gene: TRMU (tRNA mitochondrial 2-thiouridylase; plus strand). Cytogenetic location: 22q13.31.
Variant type: single nucleotide variant.
Coding change: c.1029G>A on transcript NM_018006.5 (MANE Select); coding-DNA position 1029, G replaced by A.
Protein change: p.Val343=; no amino-acid change (valine 343 retained).
Molecular consequence: synonymous variant. On other transcripts: non-coding transcript variant (2), intron variant (2).
Genome position (GRCh38, 1-based): chr22:46,356,000, G>A. VCF-style: chr22-46356000-G-A. GRCh37 (hg19) VCF-style: chr22-46751897-G-A.
Other names: c.687G>A, p.Val229= (NM_001282782.2); c.609G>A, p.Val203= (NM_001282783.2); c.1018+412G>A (NM_001282785.2); c.598+412G>A (NM_001282784.2); c.1029G>A (NM_018006.4).
Identifiers: ClinVar variation 1088232 (VCV001088232.10), dbSNP rs370887789, ClinGen allele CA10292390.

ClinVar aggregate classification (germline): Likely benign. Review status: criteria provided, multiple submitters, no conflicts (2 of 4 stars). 2 submissions from 2 submitters: Likely benign (2). Last evaluated 2025-12-16.

Conditions:
TRMU-related disorder. Also called: TRMU-related condition.

Allele frequency attached by ClinVar (database versions not stated): gnomAD 0.00001; gnomAD exomes 0.00001 and 0.00003; TOPMed 0.00001; ExAC 0.00002; ESP Exome Variant Server 0.00008.
gnomAD v4.1: 17 of 1,613,898 alleles (0.0011%); highest among the groups gnomAD compares: South Asian, 0.0088%; no homozygotes.

Submissions (2):

PreventionGenetics, part of Exact Sciences
Classification: Likely benign for TRMU-related condition. Last evaluated: 2025-12-16. Review status: criteria provided, single submitter. Criteria: ACMG Guidelines, 2015. Collection method: clinical testing. Allele origin: germline.
Comment: This variant is classified as likely benign based on ACMG/AMP sequence variant interpretation guidelines (Richards et al. 2015 PMID: 25741868, with internal and published modifications).

Labcorp Genetics (formerly Invitae), Labcorp
Classification: Likely benign. Last evaluated: 2023-05-28. Review status: criteria provided, single submitter. Criteria: Invitae Variant Classification Sherloc (09022015). Collection method: clinical testing. Allele origin: germline.